The following is an entry in ClinVar:

NM_001256071.3(RNF213):c.15212A>G (p.Gln5071Arg)

Genes: RNF213-AS1 (RNF213 antisense RNA 1; minus strand), RNF213 (ring finger protein 213; plus strand). Cytogenetic location: 17q25.3.
Variant type: single nucleotide variant.
Coding change: c.15212A>G on transcript NM_001256071.3 (MANE Select); coding-DNA position 15212, A replaced by G.
Protein change: p.Gln5071Arg; replaces glutamine 5071 with arginine.
Molecular consequence: missense variant.
Genome position (GRCh38, 1-based): chr17:80,389,844, A>G. VCF-style: chr17-80389844-A-G. GRCh37 (hg19) VCF-style: chr17-78363644-A-G.
Other names: short protein forms Q5071R.
Identifiers: ClinVar variation 1316062 (VCV001316062.2), dbSNP rs142120906, ClinGen allele CA8823239.

ClinVar aggregate classification (germline): Uncertain significance (1 of 4 stars; one submission).

Allele frequency attached by ClinVar (database versions not stated): gnomAD exomes below 0.00001; ExAC 0.00001; gnomAD 0.00001 and 0.00002; TOPMed 0.00003; ESP Exome Variant Server 0.00008.
gnomAD v4.1: 8 of 1,613,972 alleles (0.0005%); highest among the groups gnomAD compares: Non-Finnish European, 0.00068%; no homozygotes.

Submission:

GeneDx
Classification: Uncertain significance. Last evaluated: 2019-05-01. Review status: criteria provided, single submitter. Criteria: GeneDx Variant Classification Process June 2021. Collection method: clinical testing. Allele origin: germline. Affected: yes.
Comment: Not observed at a significant frequency in large population cohorts (Lek et al., 2016); In silico analysis, which includes protein predictors and evolutionary conservation, supports that this variant does not alter protein structure/function; Has not been previously published as pathogenic or benign to our knowledge